The following is an entry in ClinVar:

ClinVar aggregate classification (germline): Uncertain significance (1 of 4 stars; one submission).

Submission:

Labcorp Genetics (formerly Invitae), Labcorp
Classification: Uncertain significance. Last evaluated: 2023-04-18. Review status: criteria provided, single submitter. Criteria: Invitae Variant Classification Sherloc (09022015). Collection method: clinical testing. Allele origin: germline.
Comment: This variant is not present in population databases (gnomAD no frequency). This sequence change replaces alanine, which is neutral and non-polar, with serine, which is neutral and polar, at codon 311 of the KCNH1 protein (p.Ala311Ser). In summary, the available evidence is currently insufficient to determine the role of this variant in disease. Therefore, it has been classified as a Variant of Uncertain Significance. Advanced modeling of protein sequence and biophysical properties (such as structural, functional, and spatial information, amino acid conservation, physicochemical variation, residue mobility, and thermodynamic stability) performed at Invitae indicates that this missense variant is expected to disrupt KCNH1 protein function. This variant has not been reported in the literature in individuals affected with KCNH1-related conditions.

NM_172362.3(KCNH1):c.931G>T (p.Ala311Ser)

Gene: KCNH1 (potassium voltage-gated channel subfamily H member 1; minus strand). Cytogenetic location: 1q32.2.
Variant type: single nucleotide variant.
Coding change: c.931G>T on transcript NM_172362.3 (MANE Select); coding-DNA position 931, G replaced by T.
Protein change: p.Ala311Ser; replaces alanine 311 with serine.
Molecular consequence: missense variant.
Genome position (GRCh38, 1-based): chr1:211,018,884, C>A on the plus strand (G>T on the coding strand, the complement: KCNH1 is on the minus strand). VCF-style: chr1-211018884-C-A. GRCh37 (hg19) VCF-style: chr1-211192226-C-A.
Other names: c.931G>T, p.Ala311Ser (NM_002238.4); short protein forms A311S.
Identifiers: ClinVar variation 2857231 (VCV002857231.3), dbSNP rs1689541630, ClinGen allele CA344875736.